The following is an entry in ClinVar:

NM_001165963.4(SCN1A):c.5128T>G (p.Phe1710Val)

Genes: SCN1A (sodium voltage-gated channel alpha subunit 1; minus strand), LOC102724058 (uncharacterized LOC102724058; plus strand). Cytogenetic location: 2q24.3.
Variant type: single nucleotide variant.
Coding change: c.5128T>G on transcript NM_001165963.4 (MANE Select); coding-DNA position 5128, T replaced by G.
Protein change: p.Phe1710Val; replaces phenylalanine 1710 with valine.
Molecular consequence: missense variant. On other transcripts: non-coding transcript variant (1).
Genome position (GRCh38, 1-based): chr2:165,992,147, A>C on the plus strand (T>G on the coding strand, the complement: SCN1A is on the minus strand). VCF-style: chr2-165992147-A-C. GRCh37 (hg19) VCF-style: chr2-166848657-A-C.
Other names: c.5095T>G, p.Phe1699Val (NM_001353952.2, NM_006920.6, NM_001353949.2 and 2 more transcripts); c.5092T>G, p.Phe1698Val (NM_001353954.2, NM_001353955.2); c.5044T>G, p.Phe1682Val (NM_001353957.2, NM_001353958.2, NM_001165964.3); c.5041T>G, p.Phe1681Val (NM_001353960.2); c.2686T>G, p.Phe896Val (NM_001353961.2); c.5128T>G, p.Phe1710Val (NM_001202435.3, NM_001353948.2); short protein forms F1681V, F1682V, F1710V, F896V, F1698V, F1699V.
Identifiers: ClinVar variation 2742246 (VCV002742246.3), dbSNP rs2468337066, ClinGen allele CA349069040.

ClinVar aggregate classification (germline): Uncertain significance (1 of 4 stars; one submission).

Conditions:
Early-infantile DEE. Also called: Early infantile epileptic encephalopathy with suppression bursts; Early infantile epileptic encephalopathy; Ohtahara syndrome. Identifiers: Orphanet 1934, MedGen C0393706, MONDO:0800491.

Submission:

Labcorp Genetics (formerly Invitae), Labcorp
Classification: Uncertain significance for Early-infantile DEE. Last evaluated: 2023-07-12. Review status: criteria provided, single submitter. Criteria: Invitae Variant Classification Sherloc (09022015). Collection method: clinical testing. Allele origin: germline.
Comment: This sequence change replaces phenylalanine, which is neutral and non-polar, with valine, which is neutral and non-polar, at codon 1710 of the SCN1A protein (p.Phe1710Val). This variant is not present in population databases (gnomAD no frequency). This variant has not been reported in the literature in individuals affected with SCN1A-related conditions. Advanced modeling of protein sequence and biophysical properties (such as structural, functional, and spatial information, amino acid conservation, physicochemical variation, residue mobility, and thermodynamic stability) performed at Invitae indicates that this missense variant is expected to disrupt SCN1A protein function. In summary, the available evidence is currently insufficient to determine the role of this variant in disease. Therefore, it has been classified as a Variant of Uncertain Significance.